The following is an entry in ClinVar:

ClinVar aggregate classification (germline): Uncertain significance (1 of 4 stars; one submission).

Submission:

GeneDx
Classification: Uncertain significance. Last evaluated: 2023-04-01. Review status: criteria provided, single submitter. Criteria: GeneDx Variant Classification Process June 2021. Collection method: clinical testing. Allele origin: germline. Affected: yes.
Comment: Not observed at significant frequency in large population cohorts (gnomAD); In silico analysis supports that this missense variant does not alter protein structure/function; Has not been previously published as pathogenic or benign to our knowledge

NM_004663.5(RAB11A):c.18C>G (p.Asp6Glu)

Gene: RAB11A (RAB11A, member RAS oncogene family; plus strand). Cytogenetic location: 15q22.31.
Variant type: single nucleotide variant.
Coding change: c.18C>G on transcript NM_004663.5 (MANE Select); coding-DNA position 18, C replaced by G.
Protein change: p.Asp6Glu; replaces aspartic acid 6 with glutamic acid.
Molecular consequence: missense variant.
Genome position (GRCh38, 1-based): chr15:65,869,603, C>G. VCF-style: chr15-65869603-C-G. GRCh37 (hg19) VCF-style: chr15-66161941-C-G.
Other names: c.18C>G, p.Asp6Glu (NM_001206836.2); short protein forms D6E.
Identifiers: ClinVar variation 2582155 (VCV002582155.1), dbSNP rs2549033357, ClinGen allele CA392919002.
Genomic context (GRCh38, chr15:65,869,603, plus strand): 5'-AGATACCACTGCTGCTCCCGCCCTTTCGCTCCTCGGCCGCGCAATGGGCACCCGCGACGA[C>G]GAGTACGACTACCTCTTTAAAGGTGAGGCCATGGGCTCTCGCACTCTACACAGTCCTCGT-3'
Protein context (NP_004654.1, residues 1-16): MGTRD[Asp6Glu]EYDYLFKVVL